The following is an entry in ClinVar:

NM_015627.3(LDLRAP1):c.70G>A (p.Gly24Ser)

Genes: LDLRAP1 (low density lipoprotein receptor adaptor protein 1; plus strand), LOC129929773 (ATAC-STARR-seq lymphoblastoid silent region 456; plus strand). Cytogenetic location: 1p36.11.
Variant type: single nucleotide variant.
Coding change: c.70G>A on transcript NM_015627.3 (MANE Select); coding-DNA position 70, G replaced by A.
Protein change: p.Gly24Ser; replaces glycine 24 with serine.
Molecular consequence: missense variant.
Genome position (GRCh38, 1-based): chr1:25,543,768, G>A. VCF-style: chr1-25543768-G-A. GRCh37 (hg19) VCF-style: chr1-25870259-G-A.
Other names: short protein forms G24S.
Identifiers: ClinVar variation 1389452 (VCV001389452.10), dbSNP rs563151154, ClinGen allele CA19669477.
Genomic context (GRCh38, chr1:25,543,768, plus strand): 5'-CTCAAGTCGGCGGGGCGGGCGCTGATCCGGAGCCCCAGCTTGGCCAAGCAGAGCTGGGGG[G>A]GCGGTGGCCGGCACCGCAGTGAGTGTGCGCGCGTCAGCCGGGCCGGGCCGGGATCGGGCA-3'
Protein context (NP_056442.2, residues 14-34): SPSLAKQSWG[Gly24Ser]GGRHRKLPEN

ClinVar aggregate classification (germline): Conflicting classifications of pathogenicity. Review status: criteria provided, conflicting classifications (1 of 4 stars). 3 submissions from 3 submitters: Uncertain significance (2); Likely benign (1). Last evaluated 2025-09-04.

Conditions:
Cardiovascular phenotype. Identifiers: MedGen CN230736.
Hypercholesterolemia, familial, 4 (FHCL4). Also called: HYPERCHOLESTEROLEMIA, AUTOSOMAL RECESSIVE, 1; HYPERCHOLESTEROLEMIA, AUTOSOMAL RECESSIVE, 2. Identifiers: Orphanet 391665, MedGen C1863512, MONDO:0011374, OMIM 603813.

Allele frequency attached by ClinVar (database versions not stated): 1000 Genomes Project 30x 0.00016; 1000 Genomes Project 0.00020.

Submissions (3):

Ambry Genetics
Classification: Likely benign for Cardiovascular phenotype. Last evaluated: 2025-09-04. Review status: criteria provided, single submitter. Criteria: Ambry Variant Classification Scheme 2023. Collection method: clinical testing. Allele origin: germline.

Genome-Nilou Lab
Classification: Uncertain significance for Hypercholesterolemia, familial, 4. Last evaluated: 2023-04-11. Review status: criteria provided, single submitter. Criteria: ACMG Guidelines, 2015. Collection method: clinical testing. Allele origin: germline. Affected: no.

Labcorp Genetics (formerly Invitae), Labcorp
Classification: Uncertain significance for Hypercholesterolemia, familial, 4. Last evaluated: 2021-10-14. Review status: criteria provided, single submitter. Criteria: Invitae Variant Classification Sherloc (09022015). Collection method: clinical testing. Allele origin: germline.
Comment: This sequence change replaces glycine with serine at codon 24 of the LDLRAP1 protein (p.Gly24Ser). The glycine residue is moderately conserved and there is a small physicochemical difference between glycine and serine. The frequency data for this variant in the population databases is considered unreliable, as metrics indicate insufficient coverage at this position in the ExAC database. This variant has not been reported in the literature in individuals affected with LDLRAP1-related conditions. Algorithms developed to predict the effect of missense changes on protein structure and function (SIFT, PolyPhen-2, Align-GVGD) all suggest that this variant is likely to be tolerated. In summary, the available evidence is currently insufficient to determine the role of this variant in disease. Therefore, it has been classified as a Variant of Uncertain Significance.